The following is an entry in ClinVar:

NM_000384.3(APOB):c.6530A>C (p.Tyr2177Ser)

Gene: APOB (apolipoprotein B; minus strand). Cytogenetic location: 2p24.1.
Variant type: single nucleotide variant.
Coding change: c.6530A>C on transcript NM_000384.3 (MANE Select); coding-DNA position 6530, A replaced by C.
Protein change: p.Tyr2177Ser; replaces tyrosine 2177 with serine.
Molecular consequence: missense variant.
Genome position (GRCh38, 1-based): chr2:21,010,338, T>G on the plus strand (A>C on the coding strand, the complement: APOB is on the minus strand). VCF-style: chr2-21010338-T-G. GRCh37 (hg19) VCF-style: chr2-21233210-T-G.
Other names: short protein forms Y2177S.
Identifiers: ClinVar variation 920431 (VCV000920431.6), dbSNP rs1199919734, ClinGen allele CA346001556.

ClinVar aggregate classification (germline): Uncertain significance. Review status: criteria provided, multiple submitters, no conflicts (2 of 4 stars). 2 submissions from 2 submitters: Uncertain significance (2). Last evaluated 2022-10-27.

Conditions:
Cardiovascular phenotype. Identifiers: MedGen CN230736.
Familial hypobetalipoproteinemia 1. Also called: Hypobetalipoproteinemia, normotriglyceridemic; Acanthocytosis with hypobetalipoproteinemia; APOB-Related Familial Hypobetalipoproteinemia. Identifiers: MedGen C4551990, MONDO:0014252, OMIM 615558.
Hypercholesterolemia, autosomal dominant, type B (FHCL2). Also called: Familial Hypercholesterolemia Type B; HYPERCHOLESTEROLEMIA, FAMILIAL, DUE TO LIGAND-DEFECTIVE APOLIPOPROTEIN B; Familial hypercholesterolemia 2; APOB-Related Familial Hypercholesterolemia, Autosomal Dominant; APOLIPOPROTEIN B-100, FAMILIAL DEFECTIVE; APOLIPOPROTEIN B-100, FAMILIAL LIGAND-DEFECTIVE. Identifiers: MedGen C1704417, MONDO:0007751, OMIM 144010.

gnomAD v4.1: 2 of 1,567,470 alleles (0.00013%); highest among the groups gnomAD compares: Non-Finnish European, 0.00017%; no homozygotes.

Submissions (2):

Ambry Genetics
Classification: Uncertain significance for Cardiovascular phenotype. Last evaluated: 2022-10-27. Review status: criteria provided, single submitter. Criteria: Ambry Variant Classification Scheme 2023. Collection method: clinical testing. Allele origin: germline.
Comment: The p.Y2177S variant (also known as c.6530A>C), located in coding exon 26 of the APOB gene, results from an A to C substitution at nucleotide position 6530. The tyrosine at codon 2177 is replaced by serine, an amino acid with dissimilar properties. This amino acid position is conserved. In addition, this alteration is predicted to be tolerated by in silico analysis. Since supporting evidence is limited at this time, the clinical significance of this alteration remains unclear.

Fulgent Genetics
Classification: Uncertain significance for Hypercholesterolemia, autosomal dominant, type B; Familial hypobetalipoproteinemia 1. Last evaluated: 2022-04-07. Review status: criteria provided, single submitter. Criteria: ACMG Guidelines, 2015. Collection method: clinical testing. Allele origin: unknown.